The following is an entry in ClinVar:

NM_022041.4(GAN):c.812A>C (p.Tyr271Ser)

Gene: GAN (gigaxonin; plus strand). Cytogenetic location: 16q23.2.
Variant type: single nucleotide variant.
Coding change: c.812A>C on transcript NM_022041.4 (MANE Select); coding-DNA position 812, A replaced by C.
Protein change: p.Tyr271Ser; replaces tyrosine 271 with serine.
Molecular consequence: missense variant.
Genome position (GRCh38, 1-based): chr16:81,356,963, A>C. VCF-style: chr16-81356963-A-C. GRCh37 (hg19) VCF-style: chr16-81390568-A-C.
Other names: c.173A>C, p.Tyr58Ser (NM_001377486.1); short protein forms Y271S, Y58S.
Identifiers: ClinVar variation 3619181 (VCV003619181.2).

ClinVar aggregate classification (germline): Uncertain significance (1 of 4 stars; one submission).

Conditions:
Giant axonal neuropathy 1 (GAN1). Also called: GAN-Related Neurodegeneration; GIANT AXONAL NEUROPATHY 1, AUTOSOMAL RECESSIVE. Identifiers: Orphanet 643, MedGen C1850386, MONDO:0009749, OMIM 256850.

Submission:

Labcorp Genetics (formerly Invitae), Labcorp
Classification: Uncertain significance for Giant axonal neuropathy 1. Last evaluated: 2024-05-22. Review status: criteria provided, single submitter. Criteria: Invitae Variant Classification Sherloc (09022015). Collection method: clinical testing. Allele origin: germline.
Comment: This sequence change replaces tyrosine, which is neutral and polar, with serine, which is neutral and polar, at codon 271 of the GAN protein (p.Tyr271Ser). This variant is not present in population databases (gnomAD no frequency). This variant has not been reported in the literature in individuals affected with GAN-related conditions. Advanced modeling of protein sequence and biophysical properties (such as structural, functional, and spatial information, amino acid conservation, physicochemical variation, residue mobility, and thermodynamic stability) performed at Invitae indicates that this missense variant is not expected to disrupt GAN protein function with a negative predictive value of 80%. In summary, the available evidence is currently insufficient to determine the role of this variant in disease. Therefore, it has been classified as a Variant of Uncertain Significance.